The following is an entry in ClinVar:

ClinVar aggregate classification (germline): Uncertain significance (1 of 4 stars; one submission).

Conditions:
Gastrointestinal stromal tumor. Also called: Gastrointestinal stromal tumor, somatic; Gastrointestinal stroma tumor. Identifiers: Orphanet 44890, MedGen C0238198, MeSH D046152, MONDO:0011719, OMIM 606764, HP:0100723.

Submission:

Labcorp Genetics (formerly Invitae), Labcorp
Classification: Uncertain significance for Gastrointestinal stromal tumor. Last evaluated: 2019-12-11. Review status: criteria provided, single submitter. Criteria: Invitae Variant Classification Sherloc (09022015). Collection method: clinical testing. Allele origin: germline.
Comment: In summary, the available evidence is currently insufficient to determine the role of this variant in disease. Therefore, it has been classified as a Variant of Uncertain Significance. Algorithms developed to predict the effect of missense changes on protein structure and function are either unavailable or do not agree on the potential impact of this missense change (SIFT: "Deleterious"; PolyPhen-2: "Probably Damaging"; Align-GVGD: "Class C0"). This variant has not been reported in the literature in individuals with PDGFRA-related conditions. This variant is not present in population databases (ExAC no frequency). This sequence change replaces glycine with cysteine at codon 893 of the PDGFRA protein (p.Gly893Cys). The glycine residue is highly conserved and there is a large physicochemical difference between glycine and cysteine.

NM_006206.6(PDGFRA):c.2677G>T (p.Gly893Cys)

Gene: PDGFRA (platelet derived growth factor receptor alpha; plus strand). Cytogenetic location: 4q12.
Variant type: single nucleotide variant.
Coding change: c.2677G>T on transcript NM_006206.6 (MANE Select); coding-DNA position 2677, G replaced by T.
Protein change: p.Gly893Cys; replaces glycine 893 with cysteine.
Molecular consequence: missense variant.
Genome position (GRCh38, 1-based): chr4:54,288,801, G>T. VCF-style: chr4-54288801-G-T. GRCh37 (hg19) VCF-style: chr4-55154968-G-T.
Other names: c.2752G>T, p.Gly918Cys (NM_001347828.2); c.2677G>T, p.Gly893Cys (NM_001347829.2); c.2716G>T, p.Gly906Cys (NM_001347830.2); short protein forms G893C, G918C, G906C.
Identifiers: ClinVar variation 836185 (VCV000836185.10), dbSNP rs1577745913, ClinGen allele CA356895400.